The following is an entry in ClinVar:

NM_000124.4(ERCC6):c.2695dup (p.Thr899fs)

Gene: ERCC6 (ERCC excision repair 6, chromatin remodeling factor; minus strand). Cytogenetic location: 10q11.23.
Variant type: Duplication.
Coding change: c.2695dup on transcript NM_000124.4 (MANE Select); coding-DNA position 2695, one base duplicated (A; older notation c.2695dupA).
Protein change: p.Thr899fs; shifts the reading frame from threonine 899.
Molecular consequence: frameshift variant.
Genome position (GRCh38, 1-based): chr10:49,473,491, T duplicated on the plus strand (A on the coding strand, the reverse complement: ERCC6 is on the minus strand). VCF-style (leftmost placement, unchanged base first): chr10-49473490-G-GT. GRCh37 (hg19) VCF-style: chr10-50681536-G-GT.
Other names: c.2695dup, p.Thr899fs (NM_001346440.2); short protein forms T899fs.
Identifiers: ClinVar variation 5012501 (VCV005012501.1).
Genomic context (GRCh38, chr10:49,473,490, plus strand): 5'-CACGTACAGCAGCACCACTCAACTTCCCTGTTACATTCACATGTTACCTCATTGTATCTC[G>GT]TAATCAGTGGCTGTCTTGAAGCTATTGTAGTGGTACCATCCATCTTGAGATAGGTATACT-3'

ClinVar aggregate classification (germline): Pathogenic (1 of 4 stars; one submission).

Conditions:
Cockayne spectrum with or without cerebrooculofacioskeletal syndrome. Identifiers: MedGen CN315928, MONDO:0100506.

Submission:

Myriad Genetics, Inc.
Classification: Pathogenic for Cockayne spectrum with or without cerebrooculofacioskeletal syndrome. Last evaluated: 2023-11-19. Review status: criteria provided, single submitter. Criteria: Myriad Autosomal Dominant, Autosomal Recessive and X-Linked Classification Criteria (2023). Collection method: clinical testing. Allele origin: unknown.
Comment: NM_000124.2(ERCC6):c.2695dupA(T899Nfs*5) is expected to be pathogenic in the context of ERCC6-related disorders. This variant is predicted to lead to an abnormal or absent protein product due to the creation of a premature termination codon in ERCC6, a gene where loss-of-function variants are known to be pathogenic. Please note: this variant was assessed in the context of healthy population screening.